The following is an entry in ClinVar:

NM_000944.5(PPP3CA):c.1525G>A (p.Gly509Ser)

Gene: PPP3CA (protein phosphatase 3 catalytic subunit alpha; minus strand). Cytogenetic location: 4q24.
Variant type: single nucleotide variant.
Coding change: c.1525G>A on transcript NM_000944.5 (MANE Select); coding-DNA position 1525, G replaced by A.
Protein change: p.Gly509Ser; replaces glycine 509 with serine.
Molecular consequence: missense variant.
Genome position (GRCh38, 1-based): chr4:101,025,906, C>T on the plus strand (G>A on the coding strand, the complement: PPP3CA is on the minus strand). VCF-style: chr4-101025906-C-T. GRCh37 (hg19) VCF-style: chr4-101947063-C-T.
Other names: c.1495G>A, p.Gly499Ser (NM_001130691.2); c.1369G>A, p.Gly457Ser (NM_001130692.2); short protein forms G457S, G499S, G509S.
Identifiers: ClinVar variation 2187889 (VCV002187889.4), dbSNP rs750488827, ClinGen allele CA3024221.

ClinVar aggregate classification (germline): Uncertain significance (1 of 4 stars; one submission).

Allele frequency attached by ClinVar (database versions not stated): TOPMed below 0.00001; gnomAD 0.00001; gnomAD exomes 0.00002; ExAC 0.00003.

Submission:

Labcorp Genetics (formerly Invitae), Labcorp
Classification: Uncertain significance. Last evaluated: 2025-05-30. Review status: criteria provided, single submitter. Criteria: Invitae Variant Classification Sherloc (09022015). Collection method: clinical testing. Allele origin: germline.
Comment: This sequence change replaces glycine, which is neutral and non-polar, with serine, which is neutral and polar, at codon 509 of the PPP3CA protein (p.Gly509Ser). This variant is present in population databases (rs750488827, gnomAD 0.004%). This variant has not been reported in the literature in individuals affected with PPP3CA-related conditions. ClinVar contains an entry for this variant (Variation ID: 2187889). Experimental studies and prediction algorithms are not available or were not evaluated, and the functional significance of this variant is currently unknown. In summary, the available evidence is currently insufficient to determine the role of this variant in disease. Therefore, it has been classified as a Variant of Uncertain Significance.